The following is an entry in ClinVar:

NM_022124.6(CDH23):c.451A>G (p.Ile151Val)

Gene: CDH23 (cadherin related 23; plus strand). Cytogenetic location: 10q22.1.
Variant type: single nucleotide variant.
Coding change: c.451A>G on transcript NM_022124.6 (MANE Select); coding-DNA position 451, A replaced by G.
Protein change: p.Ile151Val; replaces isoleucine 151 with valine.
Molecular consequence: missense variant.
Genome position (GRCh38, 1-based): chr10:71,566,763, A>G. VCF-style: chr10-71566763-A-G. GRCh37 (hg19) VCF-style: chr10-73326520-A-G.
Other names: c.451A>G, p.Ile151Val (NM_001171930.2, NM_001171931.2, NM_001171932.2 and 1 more transcripts); short protein forms I151V.
Identifiers: ClinVar variation 1519729 (VCV001519729.8), dbSNP rs1004722797, ClinGen allele CA209437829.

ClinVar aggregate classification (germline): Uncertain significance (1 of 4 stars; one submission).

Allele frequency attached by ClinVar (database versions not stated): gnomAD 0.00001; TOPMed 0.00003.

Submission:

Labcorp Genetics (formerly Invitae), Labcorp
Classification: Uncertain significance. Last evaluated: 2025-05-29. Review status: criteria provided, single submitter. Criteria: Invitae Variant Classification Sherloc (09022015). Collection method: clinical testing. Allele origin: germline.
Comment: This sequence change replaces isoleucine, which is neutral and non-polar, with valine, which is neutral and non-polar, at codon 151 of the CDH23 protein (p.Ile151Val). This variant is present in population databases (no rsID available, gnomAD 0.01%). This variant has not been reported in the literature in individuals affected with CDH23-related conditions. ClinVar contains an entry for this variant (Variation ID: 1519729). Invitae Evidence Modeling of protein sequence and biophysical properties (such as structural, functional, and spatial information, amino acid conservation, physicochemical variation, residue mobility, and thermodynamic stability) has been performed for this missense variant. However, the output from this modeling did not meet the statistical confidence thresholds required to predict the impact of this variant on CDH23 protein function. In summary, the available evidence is currently insufficient to determine the role of this variant in disease. Therefore, it has been classified as a Variant of Uncertain Significance.